The following is an entry in ClinVar:

NM_000264.5(PTCH1):c.490G>T (p.Glu164Ter)

Gene: PTCH1 (patched 1; minus strand). Cytogenetic location: 9q22.32.
Variant type: single nucleotide variant.
Coding change: c.490G>T on transcript NM_000264.5 (MANE Select); coding-DNA position 490, G replaced by T.
Protein change: p.Glu164Ter; replaces glutamic acid 164 with a stop codon.
Molecular consequence: nonsense. On other transcripts: non-coding transcript variant (1).
Genome position (GRCh38, 1-based): chr9:95,485,779, C>A on the plus strand (G>T on the coding strand, the complement: PTCH1 is on the minus strand). VCF-style: chr9-95485779-C-A. GRCh37 (hg19) VCF-style: chr9-98248061-C-A.
Other names: c.292G>T, p.Glu98Ter (NM_001083602.3, NM_001354919.2); c.487G>T, p.Glu163Ter (NM_001083603.3); c.37G>T, p.Glu13Ter (NM_001083604.3, NM_001083605.3, NM_001083606.3 and 1 more transcripts); c.490G>T, p.Glu164Ter (NM_001354918.2); short protein forms E163*, E98*, E164*, E13*.
Identifiers: ClinVar variation 2866069 (VCV002866069.3), dbSNP rs2118544070, ClinGen allele CA374116957.

ClinVar aggregate classification (germline): Pathogenic (1 of 4 stars; one submission).

Conditions:
Gorlin syndrome. Also called: Basal cell nevus syndrome; Nevoid Basal Cell Carcinoma Syndrome. Identifiers: Orphanet 377, MedGen C0004779, MONDO:0007187.

Submission:

Labcorp Genetics (formerly Invitae), Labcorp
Classification: Pathogenic for Gorlin syndrome. Last evaluated: 2023-05-20. Review status: criteria provided, single submitter. Criteria: Invitae Variant Classification Sherloc (09022015). Collection method: clinical testing. Allele origin: germline.
Comment: This variant is not present in population databases (gnomAD no frequency). For these reasons, this variant has been classified as Pathogenic. This variant has not been reported in the literature in individuals affected with PTCH1-related conditions. This sequence change creates a premature translational stop signal (p.Glu164*) in the PTCH1 gene. It is expected to result in an absent or disrupted protein product. Loss-of-function variants in PTCH1 are known to be pathogenic (PMID: 16301862, 16419085).

Literature cited by the submitters: PubMed 16301862; PubMed 16419085.